The following is an entry in ClinVar:

ClinVar aggregate classification (germline): Conflicting classifications of pathogenicity. Review status: criteria provided, conflicting classifications (1 of 4 stars). 2 submissions from 2 submitters: Uncertain significance (1); Likely benign (1). Last evaluated 2026-03-01.

Conditions:
Inborn genetic diseases. Identifiers: MedGen C0950123, MeSH D030342.

Allele frequency attached by ClinVar (database versions not stated): ExAC 0.00019; gnomAD 0.00025; TOPMed 0.00027; gnomAD exomes 0.00036; ESP Exome Variant Server 0.00038.
gnomAD v4.1: 554 of 1,611,316 alleles (0.034%); highest among the groups gnomAD compares: Non-Finnish European, 0.043%; no homozygotes.

Submissions (2):

CeGaT Center for Human Genetics Tuebingen
Classification: Likely benign. Last evaluated: 2026-03-01. Review status: criteria provided, single submitter. Criteria: CeGaT Center For Human Genetics Tuebingen Variant Classification Criteria Version 2. Collection method: clinical testing. Allele origin: germline. Affected: yes. Observed: 2 variant alleles.
Comment: SPTBN1: BS2

Ambry Genetics
Classification: Uncertain significance for Inborn genetic diseases. Last evaluated: 2021-09-01. Review status: criteria provided, single submitter. Criteria: Ambry Variant Classification Scheme 2023. Collection method: clinical testing. Allele origin: germline.

NM_003128.3(SPTBN1):c.2617A>G (p.Asn873Asp)

Gene: SPTBN1 (spectrin beta, non-erythrocytic 1; plus strand). Cytogenetic location: 2p16.2.
Variant type: single nucleotide variant.
Coding change: c.2617A>G on transcript NM_003128.3 (MANE Select); coding-DNA position 2617, A replaced by G.
Protein change: p.Asn873Asp; replaces asparagine 873 with aspartic acid.
Molecular consequence: missense variant.
Genome position (GRCh38, 1-based): chr2:54,629,751, A>G. VCF-style: chr2-54629751-A-G. GRCh37 (hg19) VCF-style: chr2-54856888-A-G.
Other names: c.2578A>G, p.Asn860Asp (NM_178313.3); short protein forms N860D, N873D.
Identifiers: ClinVar variation 3169534 (VCV003169534.5), dbSNP rs148657379, ClinGen allele CA1660660.